The following is an entry in ClinVar:

ClinVar aggregate classification (germline): Pathogenic. Review status: reviewed by expert panel (3 of 4 stars). 3 submissions from 3 submitters: Pathogenic (1). 2 of the submissions do not count toward it. Last evaluated 2024-02-20.

Conditions:
RPE65-related recessive retinopathy. Also called: Recessive RPE65 retinopathy. Identifiers: MedGen CN305526, MONDO:0100368.
Leber congenital amaurosis (LCA). Also called: Leber's amaurosis. Identifiers: Orphanet 65, MedGen C0339527, MeSH D057130, MONDO:0018998.

Submissions (3):

ClinGen Leber Congenital Amaurosis/early Onset Retinal Dystrophy Variant Curation Expert Panel, ClinGen
Classification: Pathogenic for RPE65-related recessive retinopathy. Last evaluated: 2024-02-20. Review status: reviewed by expert panel. Criteria: ClinGen LCAeoRD ACMG Specifications RPE65 V1.0.0. Collection method: curation. Allele origin: germline. Inheritance: Autosomal recessive inheritance.
Comment: NM_000329.3(RPE65):c.675C>A (p.Ile225=) is a substitution variant in codon 225 of RPE65, which is located in the center of exon 7 and does not alter the encoded amino acid. The splicing impact predictor SpliceAI gives a score of 0.39 for splice acceptor loss and 0.31 for splice donor loss, which are above the ClinGen LCA / eoRD VCEP recommended threshold of >=0.2 and predict a damaging impact on splicing. This prediction has been confirmed by a mini-gene splicing assay in which the variant caused a defect in mRNA splicing and exclusion of exon 7 from all transcripts, which is predicted to trigger a frameshift and nonsense-mediated decay of the variant transcript (PMID: 36819107). These in silico and experimental findings have not been used to meet the PP3 and PS3_Supporting codes, but rather combined to meet the PVS1(RNA) code. This variant is absent from gnomAD v2.1.1 (PM2_Supporting). This variant has been reported in at least 1 proband with early-onset severe retinal dystrophy who was compound heterozygous with the NM_000329.3(RPE65):c.886dup (p.Arg296fs) variants confirmed in trans, which was previously classified pathogenic by the ClinGen LCA / eoRD VCEP (1 pt, PMID: 36819107, PM3). In summary, this variant meets the criteria to be classified as pathogenic for RPE65-related recessive retinopathy based on the ACMG/AMP criteria applied, as specified by the ClinGen LCA / eoRD VCEP: PVS1(RNA), PM2_Supporting, PM3. (VCEP specifications version 1.0.0; date of approval 09/21/2023).

Natera, Inc.
Classification: Likely pathogenic for Leber congenital amaurosis. Last evaluated: 2025-12-17. Review status: criteria provided, single submitter. Criteria: Natera Variant Classification Schema (03/2026). Collection method: clinical testing. Allele origin: germline. Not counted in ClinVar's aggregate classification.
Comment: The c.675C>A variant in RPE65 is a synonymous variant that does not alter the encoded amino acid at position 225 (p.I225=). This variant is rare in the general population with a frequency below the threshold expected for the associated phenotype(s). This variant has been observed in one or more individuals affected with the associated recessive disease, as either homozygous or compound heterozygous with a second variant (PMID: 36819107). Functional studies show that this variant may disrupt protein function (PMID: 36819107). Given the available evidence, this variant is classified as Likely Pathogenic.

Labcorp Genetics (formerly Invitae), Labcorp
Classification: Likely benign. Last evaluated: 2018-05-16. Review status: criteria provided, single submitter. Criteria: Invitae Variant Classification Sherloc (09022015). Collection method: clinical testing. Allele origin: germline. Not counted in ClinVar's aggregate classification.

Literature cited by the submitters: PubMed 36819107 (cited by Natera, Inc.).

NM_000329.3(RPE65):c.675C>A (p.Ile225=)

Gene: RPE65 (retinoid isomerohydrolase RPE65; minus strand). Cytogenetic location: 1p31.3.
Variant type: single nucleotide variant.
Coding change: c.675C>A on transcript NM_000329.3 (MANE Select); coding-DNA position 675, C replaced by A.
Protein change: p.Ile225=; no amino-acid change (isoleucine 225 retained).
Molecular consequence: synonymous variant.
Genome position (GRCh38, 1-based): chr1:68,439,611, G>T on the plus strand (C>A on the coding strand, the complement: RPE65 is on the minus strand). VCF-style: chr1-68439611-G-T. GRCh37 (hg19) VCF-style: chr1-68905294-G-T.
Other names: NM_000329.3(RPE65):c.675C>A; p.Ile225=.
Identifiers: ClinVar variation 744318 (VCV000744318.5), dbSNP rs114379164, ClinGen allele CA418281644.